The following is an entry in ClinVar:

NM_005159.5(ACTC1):c.286C>T (p.Leu96Phe)

Genes: ACTC1 (actin alpha cardiac muscle 1; minus strand), GJD2-DT (GJD2 divergent transcript; plus strand). Cytogenetic location: 15q14.
Variant type: single nucleotide variant.
Coding change: c.286C>T on transcript NM_005159.5 (MANE Select); coding-DNA position 286, C replaced by T.
Protein change: p.Leu96Phe; replaces leucine 96 with phenylalanine.
Molecular consequence: missense variant. On other transcripts: 5 prime UTR variant (1).
Genome position (GRCh38, 1-based): chr15:34,793,413, G>A on the plus strand (C>T on the coding strand, the complement: ACTC1 is on the minus strand). VCF-style: chr15-34793413-G-A. GRCh37 (hg19) VCF-style: chr15-35085614-G-A.
Other names: c.286C>T, p.Leu96Phe (NM_001406482.1, NM_001406483.1); c.151C>T, p.Leu51Phe (NM_001406484.1); c.-103C>T (NM_001406485.1); short protein forms L96F, L51F.
Identifiers: ClinVar variation 2947441 (VCV002947441.5), dbSNP rs2140431992, ClinGen allele CA391631565.

ClinVar aggregate classification (germline): Uncertain significance. Review status: criteria provided, multiple submitters, no conflicts (2 of 4 stars). 3 submissions from 3 submitters: Uncertain significance (3). Last evaluated 2025-11-24.

Conditions:
Hypertrophic cardiomyopathy 11. Also called: ACTC1-Related Familial Hypertrophic Cardiomyopathy. Identifiers: MedGen C2677506, MONDO:0012799, OMIM 612098.
Dilated cardiomyopathy 1R (CMD1R). Identifiers: Orphanet 154, Orphanet 54260, MedGen C3150681, MONDO:0013261, OMIM 613424.
Atrial septal defect 5 (ASD5). Identifiers: Orphanet 1478, MedGen C2748552, MONDO:0013011, OMIM 612794.

Submissions (3):

Labcorp Genetics (formerly Invitae), Labcorp
Classification: Uncertain significance for Dilated cardiomyopathy 1R; Hypertrophic cardiomyopathy 11; Atrial septal defect 5. Last evaluated: 2025-11-24. Review status: criteria provided, single submitter. Criteria: Invitae Variant Classification Sherloc (09022015). Collection method: clinical testing. Allele origin: germline.
Comment: This sequence change replaces leucine, which is neutral and non-polar, with phenylalanine, which is neutral and non-polar, at codon 96 of the ACTC1 protein (p.Leu96Phe). This variant is not present in population databases (gnomAD no frequency). This variant has not been reported in the literature in individuals affected with ACTC1-related conditions. ClinVar contains an entry for this variant (Variation ID: 2947441). Invitae Evidence Modeling of protein sequence and biophysical properties (such as structural, functional, and spatial information, amino acid conservation, physicochemical variation, residue mobility, and thermodynamic stability) indicates that this missense variant is expected to disrupt ACTC1 protein function with a positive predictive value of 80%. In summary, the available evidence is currently insufficient to determine the role of this variant in disease. Therefore, it has been classified as a Variant of Uncertain Significance.

Neuberg Centre For Genomic Medicine, NCGM
Classification: Uncertain significance for Hypertrophic cardiomyopathy 11. Last evaluated: 2024-02-01. Review status: criteria provided, single submitter. Criteria: ACMG Guidelines, 2015. Collection method: clinical testing. Allele origin: germline. Inheritance: Autosomal dominant inheritance.
Comment: This variant is classified as variant of Uncertain Significance

Blueprint Genetics
Classification: Uncertain significance. Last evaluated: 2021-09-15. Review status: criteria provided, single submitter. Criteria: ACMG Guidelines, 2015. Collection method: clinical testing. Allele origin: germline.